The following is an entry in ClinVar:

NM_000081.4(LYST):c.3704A>C (p.Gln1235Pro)

Gene: LYST (lysosomal trafficking regulator; minus strand). Cytogenetic location: 1q42.3.
Variant type: single nucleotide variant.
Coding change: c.3704A>C on transcript NM_000081.4 (MANE Select); coding-DNA position 3704, A replaced by C.
Protein change: p.Gln1235Pro; replaces glutamine 1235 with proline.
Molecular consequence: missense variant.
Genome position (GRCh38, 1-based): chr1:235,802,916, T>G on the plus strand (A>C on the coding strand, the complement: LYST is on the minus strand). VCF-style: chr1-235802916-T-G. GRCh37 (hg19) VCF-style: chr1-235966216-T-G.
Other names: c.3704A>C, p.Gln1235Pro (NM_001301365.1); short protein forms Q1235P.
Identifiers: ClinVar variation 1387056 (VCV001387056.5), dbSNP rs981088303, ClinGen allele CA344946341.
Genomic context (GRCh38, chr1:235,802,916, plus strand): 5'-TTTAATGATCTGGCTTGCAGATCTAATTACAAGCACTTCAATGATATTTTACCATCATCC[T>G]GGGTTTCGCCATCTTCAGGATTGCTTTCACTATCTGCTTCGTAACCTTCTTCTTCAACTA-3'
Protein context (NP_000072.2, residues 1225-1245): SESNPEDGET[Gln1235Pro]DDGVDLKSET

ClinVar aggregate classification (germline): Uncertain significance (1 of 4 stars; one submission).

Conditions:
Chédiak-Higashi syndrome (CHS). Also called: Chediak-Higashi Syndrome. Identifiers: Orphanet 167, MedGen C0007965, MONDO:0008963, OMIM 214500.

Submission:

Labcorp Genetics (formerly Invitae), Labcorp
Classification: Uncertain significance for Chédiak-Higashi syndrome. Last evaluated: 2021-08-09. Review status: criteria provided, single submitter. Criteria: Invitae Variant Classification Sherloc (09022015). Collection method: clinical testing. Allele origin: germline.
Comment: This variant has not been reported in the literature in individuals affected with LYST-related conditions. Algorithms developed to predict the effect of missense changes on protein structure and function (SIFT, PolyPhen-2, Align-GVGD) all suggest that this variant is likely to be tolerated. In summary, the available evidence is currently insufficient to determine the role of this variant in disease. Therefore, it has been classified as a Variant of Uncertain Significance. This sequence change replaces glutamine with proline at codon 1235 of the LYST protein (p.Gln1235Pro). The glutamine residue is moderately conserved and there is a moderate physicochemical difference between glutamine and proline. This variant is not present in population databases (ExAC no frequency).